The following is an entry in ClinVar:

NM_003036.4(SKI):c.1907G>A (p.Arg636His)

Gene: SKI (SKI proto-oncogene; plus strand). Cytogenetic location: 1p36.32.
Variant type: single nucleotide variant.
Coding change: c.1907G>A on transcript NM_003036.4 (MANE Select); coding-DNA position 1907, G replaced by A.
Protein change: p.Arg636His; replaces arginine 636 with histidine.
Molecular consequence: missense variant.
Genome position (GRCh38, 1-based): chr1:2,306,159, G>A. VCF-style: chr1-2306159-G-A. GRCh37 (hg19) VCF-style: chr1-2237598-G-A.
Other names: short protein forms R636H.
Identifiers: ClinVar variation 3442280 (VCV003442280.2).
Genomic context (GRCh38, chr1:2,306,159, plus strand): 5'-TCGAGCGTCTCCGCGCCGAGAACGAGAAGAAGATGAAAGAGGCCAACGAGTCACGGCTGC[G>A]CCTGAAGCGGGAGCTGGAGCAGGCGCGGCAGGCCCGGGTGTGCGACAAGGGCTGCGAGGC-3'
Protein context (NP_003027.1, residues 626-646): KMKEANESRL[Arg636His]LKRELEQARQ

ClinVar aggregate classification (germline): Uncertain significance. Review status: criteria provided, multiple submitters, no conflicts (2 of 4 stars). 2 submissions from 2 submitters: Uncertain significance (2). Last evaluated 2025-08-28.

Conditions:
Familial thoracic aortic aneurysm and aortic dissection (TAAD). Also called: Thoracic aortic aneurysms and dissections. Identifiers: Orphanet 91387, MedGen C4707243, MONDO:0019625.
Shprintzen-Goldberg syndrome (SGS). Also called: SHPRINTZEN-GOLDBERG CRANIOSYNOSTOSIS SYNDROME; CRANIOSYNOSTOSIS WITH ARACHNODACTYLY AND ABDOMINAL HERNIAS; Marfanoid disorder with craniosynostosis type 1; Marfanoid craniosynostosis syndrome; Shprintzen-Goldberg marfanoid syndrome. Identifiers: Orphanet 2462, MedGen C1321551, MONDO:0008426, OMIM 182212.

Submissions (2):

Labcorp Genetics (formerly Invitae), Labcorp
Classification: Uncertain significance for Shprintzen-Goldberg syndrome. Last evaluated: 2025-08-28. Review status: criteria provided, single submitter. Criteria: Invitae Variant Classification Sherloc (09022015). Collection method: clinical testing. Allele origin: germline.
Comment: This sequence change replaces arginine, which is basic and polar, with histidine, which is basic and polar, at codon 636 of the SKI protein (p.Arg636His). This variant is not present in population databases (gnomAD no frequency). This variant has not been reported in the literature in individuals affected with SKI-related conditions. ClinVar contains an entry for this variant (Variation ID: 3442280). Invitae Evidence Modeling of protein sequence and biophysical properties (such as structural, functional, and spatial information, amino acid conservation, physicochemical variation, residue mobility, and thermodynamic stability) indicates that this missense variant is not expected to disrupt SKI protein function with a negative predictive value of 95%. In summary, the available evidence is currently insufficient to determine the role of this variant in disease. Therefore, it has been classified as a Variant of Uncertain Significance.

Ambry Genetics
Classification: Uncertain significance for Familial thoracic aortic aneurysm and aortic dissection. Last evaluated: 2024-11-13. Review status: criteria provided, single submitter. Criteria: Ambry Variant Classification Scheme 2023. Collection method: clinical testing. Allele origin: germline.
Comment: The p.R636H variant (also known as c.1907G>A), located in coding exon 6 of the SKI gene, results from a G to A substitution at nucleotide position 1907. The arginine at codon 636 is replaced by histidine, an amino acid with highly similar properties. This amino acid position is conserved. In addition, the in silico prediction for this alteration is inconclusive. Based on the available evidence, the clinical significance of this variant remains unclear.